The following is an entry in ClinVar:

NM_033026.6(PCLO):c.15083T>C (p.Val5028Ala)

Gene: PCLO (piccolo presynaptic cytomatrix protein; minus strand). Cytogenetic location: 7q21.11.
Variant type: single nucleotide variant.
Coding change: c.15083T>C on transcript NM_033026.6 (MANE Select); coding-DNA position 15083, T replaced by C.
Protein change: p.Val5028Ala; replaces valine 5028 with alanine.
Molecular consequence: missense variant.
Genome position (GRCh38, 1-based): chr7:82,761,418, A>G on the plus strand (T>C on the coding strand, the complement: PCLO is on the minus strand). VCF-style: chr7-82761418-A-G. GRCh37 (hg19) VCF-style: chr7-82390734-A-G.
Other names: short protein forms V5028A.
Identifiers: ClinVar variation 1990453 (VCV001990453.1), dbSNP rs760089997, ClinGen allele CA4318623.

ClinVar aggregate classification (germline): Uncertain significance (1 of 4 stars; one submission).

Allele frequency attached by ClinVar (database versions not stated): gnomAD exomes below 0.00001; TOPMed below 0.00001; ExAC 0.00002.
gnomAD v4.1: 2 of 1,569,146 alleles (0.00013%); highest among the groups gnomAD compares: Non-Finnish European, 0.000087%; no homozygotes.

Submission:

Labcorp Genetics (formerly Invitae), Labcorp
Classification: Uncertain significance. Last evaluated: 2022-03-29. Review status: criteria provided, single submitter. Criteria: Invitae Variant Classification Sherloc (09022015). Collection method: clinical testing. Allele origin: germline.
Comment: This sequence change replaces valine, which is neutral and non-polar, with alanine, which is neutral and non-polar, at codon 5028 of the PCLO protein (p.Val5028Ala). The frequency data for this variant in the population databases is considered unreliable, as metrics indicate poor data quality at this position in the gnomAD database. This variant has not been reported in the literature in individuals affected with PCLO-related conditions. Algorithms developed to predict the effect of missense changes on protein structure and function are either unavailable or do not agree on the potential impact of this missense change (SIFT: "Deleterious"; PolyPhen-2: "Not Available"; Align-GVGD: "Class C0"). In summary, the available evidence is currently insufficient to determine the role of this variant in disease. Therefore, it has been classified as a Variant of Uncertain Significance.